The following is an entry in ClinVar:

NM_004360.5(CDH1):c.688-20C>A

Gene: CDH1 (cadherin 1; plus strand). Cytogenetic location: 16q22.1.
Variant type: single nucleotide variant.
Coding change: c.688-20C>A on transcript NM_004360.5 (MANE Select); 20 bases into the intron before coding-DNA position 688, C replaced by A.
Molecular consequence: intron variant.
Genome position (GRCh38, 1-based): chr16:68,810,177, C>A. VCF-style: chr16-68810177-C-A. GRCh37 (hg19) VCF-style: chr16-68844080-C-A.
Other names: c.688-20C>A (LRG_301t1, NM_001317184.2); c.-928-20C>A (NM_001317185.2); c.-1132-20C>A (NM_001317186.2).
Identifiers: ClinVar variation 422595 (VCV000422595.7), dbSNP rs1064795881, ClinGen allele CA16620240.

ClinVar aggregate classification (germline): Conflicting classifications of pathogenicity. Review status: criteria provided, conflicting classifications (1 of 4 stars). 2 submissions from 2 submitters: Uncertain significance (1); Likely benign (1). Last evaluated 2024-11-04.

Conditions:
Hereditary diffuse gastric adenocarcinoma (HDGC). Also called: DIFFUSE GASTRIC AND LOBULAR BREAST CANCER SYNDROME. Identifiers: Orphanet 26106, MedGen C1708349, MONDO:0007648, OMIM 137215.

Allele frequency attached by ClinVar (database versions not stated): gnomAD exomes below 0.00001.
gnomAD v4.1: 2 of 1,613,934 alleles (0.00012%); highest among the groups gnomAD compares: Non-Finnish European, 0.00017%; no homozygotes.

Submissions (2):

Labcorp Genetics (formerly Invitae), Labcorp
Classification: Likely benign for Hereditary diffuse gastric adenocarcinoma. Last evaluated: 2024-11-04. Review status: criteria provided, single submitter. Criteria: Invitae Variant Classification Sherloc (09022015). Collection method: clinical testing. Allele origin: germline.

GeneDx
Classification: Uncertain significance. Last evaluated: 2016-10-21. Review status: criteria provided, single submitter. Criteria: GeneDx Variant Classification (06012015). Collection method: clinical testing. Allele origin: germline. Affected: yes.
Comment: This variant is denoted CDH1 c.688-20C>A or IVS5-20C>A and consists of a C>A nucleotide substitution at the -20 position of intron 5 of the CDH1 gene. This variant is not predicted to cause abnormal splicing; however, in the absence of RNA or functional studies, the actual effect of this variant is unknown. This variant has not, to our knowledge, been published in the literature as pathogenic or benign. CDH1 c.688-20C>A was not observed in approximately 6,500 individuals of European and African American ancestry in the NHLBI Exome Sequencing Project, suggesting it is not a common benign variant in these populations. The cytosine (C) nucleotide that is altered is conserved through mammals. Based on currently available information, it is unclear whether CDH1 c.688-20C>A is pathogenic or benign. We consider it to be a variant of uncertain significance.